The following is an entry in ClinVar:

ClinVar aggregate classification (germline): Likely pathogenic (1 of 4 stars; one submission).

Conditions:
Pyridoxine-dependent epilepsy (EPEO4). Also called: Pyridoxine-Dependent Seizures; PYRIDOXINE DEPENDENCY WITH SEIZURES; Pyridoxine-Dependent Epilepsy - ALDH7A1; EPILEPSY, EARLY-ONSET, 4, VITAMIN B6-DEPENDENT. Identifiers: Orphanet 3006, MedGen C1849508, MONDO:0009945, OMIM 266100. Disease mechanism: loss of function.

Submission:

Labcorp Genetics (formerly Invitae), Labcorp
Classification: Likely pathogenic for Pyridoxine-dependent epilepsy. Last evaluated: 2024-05-03. Review status: criteria provided, single submitter. Criteria: Invitae Variant Classification Sherloc (09022015). Collection method: clinical testing. Allele origin: germline.
Comment: This sequence change replaces alanine, which is neutral and non-polar, with threonine, which is neutral and polar, at codon 199 of the ALDH7A1 protein (p.Ala199Thr). This variant is not present in population databases (gnomAD no frequency). This variant has not been reported in the literature in individuals affected with ALDH7A1-related conditions. Advanced modeling of protein sequence and biophysical properties (such as structural, functional, and spatial information, amino acid conservation, physicochemical variation, residue mobility, and thermodynamic stability) performed at Invitae indicates that this missense variant is expected to disrupt ALDH7A1 protein function with a positive predictive value of 95%. This variant disrupts the p.Ala199 amino acid residue in ALDH7A1. Other variant(s) that disrupt this residue have been determined to be pathogenic (PMID: 16491085, 20370816). This suggests that this residue is clinically significant, and that variants that disrupt this residue are likely to be disease-causing. In summary, the currently available evidence indicates that the variant is pathogenic, but additional data are needed to prove that conclusively. Therefore, this variant has been classified as Likely Pathogenic.

Literature cited by the submitters: PubMed 16491085; PubMed 20370816.

NM_001182.5(ALDH7A1):c.595G>A (p.Ala199Thr)

Gene: ALDH7A1 (aldehyde dehydrogenase 7 family member A1; minus strand). Cytogenetic location: 5q23.2.
Variant type: single nucleotide variant.
Coding change: c.595G>A on transcript NM_001182.5 (MANE Select); coding-DNA position 595, G replaced by A.
Protein change: p.Ala199Thr; replaces alanine 199 with threonine.
Molecular consequence: missense variant.
Genome position (GRCh38, 1-based): chr5:126,577,134, C>T on the plus strand (G>A on the coding strand, the complement: ALDH7A1 is on the minus strand). VCF-style: chr5-126577134-C-T. GRCh37 (hg19) VCF-style: chr5-125912826-C-T.
Other names: c.511G>A, p.Ala171Thr (NM_001201377.2); c.595G>A, p.Ala199Thr (NM_001202404.2); short protein forms A199T, A171T.
Identifiers: ClinVar variation 3682058 (VCV003682058.2).